The following is an entry in ClinVar:

ClinVar aggregate classification (germline): Uncertain significance. Review status: criteria provided, multiple submitters, no conflicts (2 of 4 stars). 2 submissions from 2 submitters: Uncertain significance (2). Last evaluated 2026-09-17.

Conditions:
CFI-related disorder. Also called: CFI-related condition; CFI-related disorders. Identifiers: MedGen CN239325.

Allele frequency attached by ClinVar (database versions not stated): TOPMed 0.00001.
gnomAD v4.1: 1 of 1,614,158 alleles (0.000062%); highest among the groups gnomAD compares: South Asian, 0.0011%; no homozygotes.

Submissions (2):

Genomenon, Inc
Classification: Uncertain significance for CFI-related disorder. Last evaluated: 2026-09-17. Review status: criteria provided, single submitter. Criteria: Genomenon Sequence Variant Interpretation Standards - Updated. Collection method: curation. Allele origin: germline. Affected: no.
Comment: CFI p.Gly527Val (c.1580G>T) is a missense variant that changes the amino acid at codon 527 from Glycine to Valine. This variant has been reported in the published literature (PMID:38852887). This variant is located in a mutational hotspot and/or important functional domain. It is absent or not present at a significant frequency in gnomAD. In silico models predict that this variant is possibly or probably damaging. In conclusion, we classify CFI p.Gly527Val (c.1580G>T) as a variant of uncertain significance.

Labcorp Genetics (formerly Invitae), Labcorp
Classification: Uncertain significance. Last evaluated: 2023-03-11. Review status: criteria provided, single submitter. Criteria: Invitae Variant Classification Sherloc (09022015). Collection method: clinical testing. Allele origin: germline.
Comment: In summary, the available evidence is currently insufficient to determine the role of this variant in disease. Therefore, it has been classified as a Variant of Uncertain Significance. Advanced modeling of protein sequence and biophysical properties (such as structural, functional, and spatial information, amino acid conservation, physicochemical variation, residue mobility, and thermodynamic stability) performed at Invitae indicates that this missense variant is expected to disrupt CFI protein function. This variant has not been reported in the literature in individuals affected with CFI-related conditions. This variant is not present in population databases (gnomAD no frequency). This sequence change replaces glycine, which is neutral and non-polar, with valine, which is neutral and non-polar, at codon 527 of the CFI protein (p.Gly527Val).

Literature cited by the submitters: PubMed 38852887 (cited by Genomenon, Inc).

NM_000204.5(CFI):c.1580G>T (p.Gly527Val)

Gene: CFI (complement factor I; minus strand). Cytogenetic location: 4q25.
Variant type: single nucleotide variant.
Coding change: c.1580G>T on transcript NM_000204.5 (MANE Select); coding-DNA position 1580, G replaced by T.
Protein change: p.Gly527Val; replaces glycine 527 with valine.
Molecular consequence: missense variant. On other transcripts: non-coding transcript variant (3), intron variant (5).
Genome position (GRCh38, 1-based): chr4:109,741,065, C>A on the plus strand (G>T on the coding strand, the complement: CFI is on the minus strand). VCF-style: chr4-109741065-C-A. GRCh37 (hg19) VCF-style: chr4-110662221-C-A.
Other names: c.1604G>T, p.Gly535Val (NM_001318057.2); c.1559G>T, p.Gly520Val (NM_001331035.2); c.1523G>T, p.Gly508Val (NM_001375283.1); c.971G>T, p.Gly324Val (NM_001375284.1); c.1513+1426G>T (NM_001375282.1, NM_001375280.1); c.1534+1426G>T (NM_001375281.1, NM_001375279.1); c.1558+1426G>T (NM_001375278.1); short protein forms G324V, G508V, G527V, G535V, G520V.
Identifiers: ClinVar variation 2819958 (VCV002819958.5), dbSNP rs1436775364, ClinGen allele CA357854644.